The following is an entry in ClinVar:

NM_003849.4(SUCLG1):c.40A>T (p.Met14Leu)

Gene: SUCLG1 (succinate-CoA ligase GDP/ADP-forming subunit alpha; minus strand). Cytogenetic location: 2p11.2.
Variant type: single nucleotide variant.
Coding change: c.40A>T on transcript NM_003849.4 (MANE Select); coding-DNA position 40, A replaced by T.
Protein change: p.Met14Leu; replaces methionine 14 with leucine.
Molecular consequence: missense variant.
Genome position (GRCh38, 1-based): chr2:84,459,230, T>A on the plus strand (A>T on the coding strand, the complement: SUCLG1 is on the minus strand). VCF-style: chr2-84459230-T-A. GRCh37 (hg19) VCF-style: chr2-84686354-T-A.
Other names: short protein forms M14L.
Identifiers: ClinVar variation 561158 (VCV000561158.11), dbSNP rs796052053, ClinGen allele CA347518562.
Genomic context (GRCh38, chr2:84,459,230, plus strand): 5'-CACGGAGGAAGCTGCGCGACAGGAGACGGGCGGCGGCGAGGCCGCTGCTGCCGGAGACCA[T>A]GGTAGCGATGTCAGCGGCAGCGGCAAGGGTTGCGGTCATACGCCAATGACACTCCCAGGC-3'
Protein context (NP_003840.2, residues 4-24): TLAAAADIAT[Met14Leu]VSGSSGLAAA

ClinVar aggregate classification (germline): Conflicting classifications of pathogenicity. Review status: criteria provided, conflicting classifications (1 of 4 stars). 4 submissions from 4 submitters: Pathogenic (3); Uncertain significance (1). Last evaluated 2025-11-10.

Conditions:
Mitochondrial DNA depletion syndrome 9 (MTDPS9). Also called: SUCLG1-Related Mitochondrial DNA Depletion Syndrome, Encephalomyopathic Form with Methylmalonic Aciduria. Identifiers: Orphanet 17, MedGen C3151476, MONDO:0009504, OMIM 245400.

Submissions (4):

Labcorp Genetics (formerly Invitae), Labcorp
Classification: Pathogenic for Mitochondrial DNA depletion syndrome 9. Last evaluated: 2025-11-10. Review status: criteria provided, single submitter. Criteria: Invitae Variant Classification Sherloc (09022015). Collection method: clinical testing. Allele origin: germline.
Comment: This sequence change replaces methionine, which is neutral and non-polar, with leucine, which is neutral and non-polar, at codon 14 of the SUCLG1 protein (p.Met14Leu). This variant is present in population databases (no rsID available, gnomAD 0.04%). This missense change has been observed in individual(s) with mitochondrial DNA depletion syndrome and/or SUCLG1-related conditions (PMID: 20453710, 27484306; internal data). In at least one individual the data is consistent with being in trans (on the opposite chromosome) from a pathogenic variant. ClinVar contains an entry for this variant (Variation ID: 561158). Invitae Evidence Modeling of protein sequence and biophysical properties (such as structural, functional, and spatial information, amino acid conservation, physicochemical variation, residue mobility, and thermodynamic stability) has been performed for this missense variant. However, the output from this modeling did not meet the statistical confidence thresholds required to predict the impact of this variant on SUCLG1 protein function. Studies have shown that this missense change alters SUCLG1 gene expression (PMID: 27484306). This variant disrupts the p.Met14 amino acid residue in SUCLG1. Other variant(s) that disrupt this residue have been determined to be pathogenic (PMID: 21639866, 29217198, 35094435). This suggests that this residue is clinically significant, and that variants that disrupt this residue are likely to be disease-causing. For these reasons, this variant has been classified as Pathogenic.

GeneDx
Classification: Uncertain significance. Last evaluated: 2025-03-07. Review status: criteria provided, single submitter. Criteria: GeneDx Variant Classification Process June 2021. Collection method: clinical testing. Allele origin: germline. Affected: yes.
Comment: In silico analysis indicates that this missense variant does not alter protein structure/function; This variant is associated with the following publications: (PMID: 20453710, 27484306, 35237671, 37445899, 39519275)

3billion
Classification: Pathogenic for Mitochondrial DNA depletion syndrome 9. Last evaluated: 2024-08-06. Review status: criteria provided, single submitter. Criteria: ACMG Guidelines, 2015. Collection method: clinical testing. Allele origin: germline. Affected: yes.
Comment: The variant is observed at an extremely low frequency in the gnomAD v4.0.0 dataset (total allele frequency: <0.001%). Predicted Consequence/Location: Missense variant Functional studies provide strong evidence of the variant having a damaging effect on the gene or gene product (PMID: 27484306). The same nucleotide change resulting in the same amino acid change has been previously reported as pathogenic/likely pathogenic with strong evidence (ClinVar ID: VCV000561158 /PMID: 20453710 /3billion dataset). A different missense change at the same codon (p.Met14Thr) has been reported to be associated with SUCLG1 related disorder (ClinVar ID: VCV000632366 /PMID: 21639866). Therefore, this variant is classified as Pathogenic according to the recommendation of ACMG/AMP guideline.

Baylor Genetics
Classification: Pathogenic for Mitochondrial DNA depletion syndrome 9. Last evaluated: 2017-09-01. Review status: criteria provided, single submitter. Criteria: ACMG Guidelines, 2015. Collection method: clinical testing. Allele origin: maternal. Inheritance: Autosomal recessive inheritance. Affected: yes.
Comment: Heterozygotes for this variant are expected to be asymptomatic carriers.

Literature cited by the submitters: PubMed 20453710 (cited by 3 submitters); PubMed 27484306 (cited by Labcorp Genetics (formerly Invitae), Labcorp and 3billion); PubMed 21639866 (cited by Labcorp Genetics (formerly Invitae), Labcorp and 3billion); PubMed 29217198 (cited by Labcorp Genetics (formerly Invitae), Labcorp); PubMed 35094435 (cited by Labcorp Genetics (formerly Invitae), Labcorp); PubMed 25326635 (cited by Baylor Genetics).